The following is an entry in ClinVar:

NM_001040694.2(INCENP):c.2094C>G (p.Arg698=)

Gene: INCENP (inner centromere protein; plus strand). Cytogenetic location: 11q12.3.
Variant type: single nucleotide variant.
Coding change: c.2094C>G on transcript NM_001040694.2 (MANE Select); coding-DNA position 2094, C replaced by G.
Protein change: p.Arg698=; no amino-acid change (arginine 698 retained).
Molecular consequence: synonymous variant.
Genome position (GRCh38, 1-based): chr11:62,146,792, C>G. VCF-style: chr11-62146792-C-G. GRCh37 (hg19) VCF-style: chr11-61914264-C-G.
Other names: c.2082C>G, p.Arg694= (NM_020238.3).
Identifiers: ClinVar variation 2641843 (VCV002641843.24), dbSNP rs759111475, ClinGen allele CA6042181.
Genomic context (GRCh38, chr11:62,146,792, plus strand): 5'-GGCCGAGGCTAAGCGGCTGGCAGAGCAGCGGGAGCAGGAGCGGCGGGAGCAGGAGCGGCG[C>G]GAGCAGGAGCGGCGCGAGCAGGAGCGGCGGGAGCAGGAGCGGCGCGAGCAGGAGCGACAG-3'
Protein context (NP_001035784.1, residues 688-708): REQERREQER[Arg698=]EQERREQERR

ClinVar aggregate classification (germline): Likely benign (1 of 4 stars; one submission).

Allele frequency attached by ClinVar (database versions not stated): ExAC 0.00096.

Submission:

CeGaT Center for Human Genetics Tuebingen
Classification: Likely benign. Last evaluated: 2022-09-01. Review status: criteria provided, single submitter. Criteria: CeGaT Center For Human Genetics Tuebingen Variant Classification Criteria Version 2. Collection method: clinical testing. Allele origin: germline. Affected: yes. Observed: 1 variant allele.
Comment: INCENP: BP4, BP7